The following is an entry in ClinVar:

ClinVar aggregate classification (germline): Conflicting classifications of pathogenicity. Review status: criteria provided, conflicting classifications (1 of 4 stars). 2 submissions from 2 submitters: Uncertain significance (1); Likely benign (1). Last evaluated 2024-09-29.

Conditions:
Hereditary cancer-predisposing syndrome. Also called: Hereditary neoplastic syndrome; Neoplastic Syndromes, Hereditary; Tumor predisposition; Hereditary Cancer Syndrome. Identifiers: Orphanet 140162, MedGen C0027672, MeSH D009386, MONDO:0015356.
Von Hippel-Lindau syndrome (VHLS). Also called: Von Hippel-Lindau; VHL syndrome; von Hippel–Lindau syndrome. Identifiers: Orphanet 892, MedGen C0019562, MONDO:0008667, OMIM 193300. Disease mechanism: loss of function.
Chuvash polycythemia. Also called: POLYCYTHEMIA, VHL-DEPENDENT. Identifiers: Orphanet 238557, MedGen C1837915, MONDO:0009892, OMIM 263400.

Submissions (2):

Labcorp Genetics (formerly Invitae), Labcorp
Classification: Uncertain significance for Von Hippel-Lindau syndrome; Chuvash polycythemia. Last evaluated: 2024-09-29. Review status: criteria provided, single submitter. Criteria: Invitae Variant Classification Sherloc (09022015). Collection method: clinical testing. Allele origin: germline.
Comment: This sequence change replaces aspartic acid, which is acidic and polar, with alanine, which is neutral and non-polar, at codon 9 of the VHL protein (p.Asp9Ala). This variant is not present in population databases (gnomAD no frequency). This variant has not been reported in the literature in individuals affected with VHL-related conditions. ClinVar contains an entry for this variant (Variation ID: 411971). Invitae Evidence Modeling of protein sequence and biophysical properties (such as structural, functional, and spatial information, amino acid conservation, physicochemical variation, residue mobility, and thermodynamic stability) indicates that this missense variant is not expected to disrupt VHL protein function with a negative predictive value of 95%. In summary, the available evidence is currently insufficient to determine the role of this variant in disease. Therefore, it has been classified as a Variant of Uncertain Significance.

Ambry Genetics
Classification: Likely benign for Hereditary cancer-predisposing syndrome. Last evaluated: 2023-12-07. Review status: criteria provided, single submitter. Criteria: Ambry Variant Classification Scheme 2023. Collection method: clinical testing. Allele origin: germline.

NM_000551.4(VHL):c.26A>C (p.Asp9Ala)

Gene: VHL (von Hippel-Lindau tumor suppressor; plus strand). Cytogenetic location: 3p25.3.
Variant type: single nucleotide variant.
Coding change: c.26A>C on transcript NM_000551.4 (MANE Select); coding-DNA position 26, A replaced by C.
Protein change: p.Asp9Ala; replaces aspartic acid 9 with alanine.
Molecular consequence: missense variant.
Genome position (GRCh38, 1-based): chr3:10,141,873, A>C. VCF-style: chr3-10141873-A-C. GRCh37 (hg19) VCF-style: chr3-10183557-A-C.
Other names: c.26A>C, p.Asp9Ala (NM_001354723.2, NM_198156.3); short protein forms D9A.
Identifiers: ClinVar variation 411971 (VCV000411971.13), dbSNP rs1060503560, ClinGen allele CA16611161.